The following is an entry in ClinVar:

NM_032043.3(BRIP1):c.2421G>A (p.Leu807=)

Gene: BRIP1 (BRCA1 interacting helicase 1; minus strand). Cytogenetic location: 17q23.2.
Variant type: single nucleotide variant.
Coding change: c.2421G>A on transcript NM_032043.3 (MANE Select); coding-DNA position 2421, G replaced by A.
Protein change: p.Leu807=; no amino-acid change (leucine 807 retained).
Molecular consequence: synonymous variant.
Genome position (GRCh38, 1-based): chr17:61,716,022, C>T on the plus strand (G>A on the coding strand, the complement: BRIP1 is on the minus strand). VCF-style: chr17-61716022-C-T. GRCh37 (hg19) VCF-style: chr17-59793383-C-T.
Identifiers: ClinVar variation 929520 (VCV000929520.1), dbSNP rs2061855530, ClinGen allele CA501150536.
Genomic context (GRCh38, chr17:61,716,022, plus strand): 5'-CTGGTTTAAGGCCCTGTATGCTTGAATTTCATACCACTGACGGCCAGGTAGAAGACCTCT[C>T]AATTTTGAATGGTGGTCATTGTATTGTCGTTTTAGTTCAACCTAATAATTTTAAAATATA-3'
Protein context (NP_114432.2, residues 797-817): KRQYNDHHSK[Leu807=]RGLLPGRQWY

ClinVar aggregate classification (germline): Uncertain significance (0 of 4 stars; one submission).

Submission:

Leiden Open Variation Database
Classification: Uncertain significance. Last evaluated: 2019-08-13. Review status: no assertion criteria provided. Collection method: curation. Allele origin: germline. Affected: yes.
Comment: Curator: Arleen D. Auerbach. Submitter to LOVD: Yukihide Momozawa.

Literature cited by the submitters: PubMed 31214711.